The following is an entry in ClinVar:

NM_002528.7(NTHL1):c.12G>T (p.Leu4Phe)

Gene: NTHL1 (nth like DNA glycosylase 1; minus strand). Cytogenetic location: 16p13.3.
Variant type: single nucleotide variant.
Coding change: c.12G>T on transcript NM_002528.7 (MANE Select); coding-DNA position 12, G replaced by T.
Protein change: p.Leu4Phe; replaces leucine 4 with phenylalanine.
Molecular consequence: missense variant. On other transcripts: 5 prime UTR variant (1).
Genome position (GRCh38, 1-based): chr16:2,047,812, C>A on the plus strand (G>T on the coding strand, the complement: NTHL1 is on the minus strand). VCF-style: chr16-2047812-C-A. GRCh37 (hg19) VCF-style: chr16-2097813-C-A.
Other names: c.12G>T, p.Leu4Phe (NM_001318193.2); c.-167G>T (NM_001318194.2); short protein forms L4F.
Identifiers: ClinVar variation 4861229 (VCV004861229.1).

ClinVar aggregate classification (germline): Uncertain significance (1 of 4 stars; one submission).

Conditions:
Hereditary cancer-predisposing syndrome. Also called: Neoplastic Syndromes, Hereditary; Tumor predisposition; Hereditary Cancer Syndrome; Hereditary neoplastic syndrome. Identifiers: Orphanet 140162, MedGen C0027672, MeSH D009386, MONDO:0015356.

Submission:

Ambry Genetics
Classification: Uncertain significance for Hereditary cancer-predisposing syndrome. Last evaluated: 2026-04-11. Review status: criteria provided, single submitter. Criteria: Ambry Variant Classification Scheme 2023. Collection method: clinical testing. Allele origin: germline.
Comment: The p.L12F variant (also known as c.36G>T), located in coding exon 1 of the NTHL1 gene, results from a G to T substitution at nucleotide position 36. The leucine at codon 12 is replaced by phenylalanine, an amino acid with highly similar properties. This amino acid position is conserved. In addition, this alteration is predicted to be tolerated by in silico analysis. Based on the available evidence, the clinical significance of this variant remains unclear.